The following is an entry in ClinVar:

ClinVar aggregate classification (germline): Uncertain significance (1 of 4 stars; one submission).

Submission:

GeneDx
Classification: Uncertain significance. Last evaluated: 2025-05-27. Review status: criteria provided, single submitter. Criteria: GeneDx Variant Classification Process June 2021. Collection method: clinical testing. Allele origin: germline. Affected: yes.
Comment: Not observed at significant frequency in large population cohorts (gnomAD); In silico analysis supports that this missense variant has a deleterious effect on protein structure/function; Has not been previously published as pathogenic or benign to our knowledge

NM_030624.3(KLHL15):c.1550C>G (p.Pro517Arg)

Gene: KLHL15 (kelch like family member 15; minus strand). Cytogenetic location: Xp22.11.
Variant type: single nucleotide variant.
Coding change: c.1550C>G on transcript NM_030624.3 (MANE Select); coding-DNA position 1550, C replaced by G.
Protein change: p.Pro517Arg; replaces proline 517 with arginine.
Molecular consequence: missense variant.
Genome position (GRCh38, 1-based): chrX:23,988,186, G>C on the plus strand (C>G on the coding strand, the complement: KLHL15 is on the minus strand). VCF-style: chrX-23988186-G-C. GRCh37 (hg19) VCF-style: chrX-24006303-G-C.
Other names: short protein forms P517R.
Identifiers: ClinVar variation 4532496 (VCV004532496.1).